The following is an entry in ClinVar:

NM_001277115.2(DNAH11):c.2033T>C (p.Leu678Ser)

Gene: DNAH11 (dynein axonemal heavy chain 11; plus strand). Cytogenetic location: 7p15.3.
Variant type: single nucleotide variant.
Coding change: c.2033T>C on transcript NM_001277115.2 (MANE Select); coding-DNA position 2033, T replaced by C.
Protein change: p.Leu678Ser; replaces leucine 678 with serine.
Molecular consequence: missense variant.
Genome position (GRCh38, 1-based): chr7:21,589,267, T>C. VCF-style: chr7-21589267-T-C. GRCh37 (hg19) VCF-style: chr7-21628885-T-C.
Other names: c.2033T>C, p.Leu678Ser (NM_003777.3); short protein forms L678S.
Identifiers: ClinVar variation 1784791 (VCV001784791.2), dbSNP rs1784591318, ClinGen allele CA366940455.
Genomic context (GRCh38, chr7:21,589,267, plus strand): 5'-GATTTTTGGGCAATCCTGATCACGCTTTAGTTTATCAAAAGTATGTTGAAATGACCACTT[T>C]GCTTGATCAATTTGAAAGTCGTATCTATAATGAATGGAAAAGTAATGTGGATGAAATCTG-3'
Protein context (NP_001264044.1, residues 668-688): VYQKYVEMTT[Leu678Ser]LDQFESRIYN

ClinVar aggregate classification (germline): Uncertain significance (1 of 4 stars; one submission).

Conditions:
Primary ciliary dyskinesia. Also called: Ciliary dyskinesia. Identifiers: Orphanet 244, MedGen C0008780, MONDO:0016575, HP:0012265.

gnomAD v4.1: 4 of 1,610,672 alleles (0.00025%); highest among the groups gnomAD compares: Non-Finnish European, 0.00017%; no homozygotes.

Submission:

Ambry Genetics
Classification: Uncertain significance for Primary ciliary dyskinesia. Last evaluated: 2016-07-15. Review status: criteria provided, single submitter. Criteria: Ambry Variant Classification Scheme 2023. Collection method: clinical testing. Allele origin: germline.
Comment: The p.L678S variant (also known as c.2033T>C), located in coding exon 12 of the DNAH11 gene, results from a T to C substitution at nucleotide position 2033. The leucine at codon 678 is replaced by serine, an amino acid with dissimilar properties. This variant was not reported in population based cohorts in the following databases: Database of Single Nucleotide Polymorphisms (dbSNP), NHLBI Exome Sequencing Project (ESP), and 1000 Genomes Project. In the ESP, this variant was not observed in 5902 samples (11804 alleles) with coverage at this position. This amino acid position is highly conserved in available vertebrate species. In addition, this alteration is predicted to be benign by PolyPhen but deleterious by SIFT in silico analyses. Since supporting evidence is limited at this time, the clinical significance of this variant remains unclear.